The following is an entry in ClinVar:

ClinVar aggregate classification (germline): Likely pathogenic (1 of 4 stars; one submission).

Conditions:
Very long chain acyl-CoA dehydrogenase deficiency (ACADVLD). Also called: Very Long-Chain Acyl-Coenzyme A Dehydrogenase Deficiency; VLCAD Deficiency. Identifiers: Orphanet 26793, MedGen C3887523, MONDO:0008723, OMIM 201475.

Submission:

Labcorp Genetics (formerly Invitae), Labcorp
Classification: Likely pathogenic for Very long chain acyl-CoA dehydrogenase deficiency. Last evaluated: 2023-10-16. Review status: criteria provided, single submitter. Criteria: Invitae Variant Classification Sherloc (09022015). Collection method: clinical testing. Allele origin: germline.
Comment: This sequence change affects a donor splice site in intron 6 of the ACADVL gene. It is expected to disrupt RNA splicing. Variants that disrupt the donor or acceptor splice site typically lead to a loss of protein function (PMID: 16199547), and loss-of-function variants in ACADVL are known to be pathogenic (PMID: 9973285, 11590124). This variant is not present in population databases (gnomAD no frequency). This variant has not been reported in the literature in individuals affected with ACADVL-related conditions. Algorithms developed to predict the effect of sequence changes on RNA splicing suggest that this variant may disrupt the consensus splice site. In summary, the currently available evidence indicates that the variant is pathogenic, but additional data are needed to prove that conclusively. Therefore, this variant has been classified as Likely Pathogenic.

Literature cited by the submitters: PubMed 16199547; PubMed 9973285; PubMed 11590124.

NM_000018.4(ACADVL):c.477+2T>G

Gene: ACADVL (acyl-CoA dehydrogenase very long chain; plus strand). Cytogenetic location: 17p13.1.
Variant type: single nucleotide variant.
Coding change: c.477+2T>G on transcript NM_000018.4 (MANE Select); the canonical splice donor site of the intron after coding-DNA position 477, T replaced by G.
Molecular consequence: splice donor variant.
Genome position (GRCh38, 1-based): chr17:7,221,060, T>G. VCF-style: chr17-7221060-T-G. GRCh37 (hg19) VCF-style: chr17-7124379-T-G.
Other names: c.546+2T>G (NM_001270447.2); c.249+2T>G (NM_001270448.2); c.411+2T>G (NM_001033859.3).
Identifiers: ClinVar variation 3009722 (VCV003009722.3), dbSNP rs1325289676, ClinGen allele CA397722988.